The following is an entry in ClinVar:

NM_014297.5(ETHE1):c.375+19C>A

Gene: ETHE1 (ETHE1 persulfide dioxygenase; minus strand). Cytogenetic location: 19q13.31.
Variant type: single nucleotide variant.
Coding change: c.375+19C>A on transcript NM_014297.5 (MANE Select); 19 bases into the intron after coding-DNA position 375, C replaced by A.
Molecular consequence: intron variant.
Genome position (GRCh38, 1-based): chr19:43,526,182, G>T on the plus strand (C>A on the coding strand, the complement: ETHE1 is on the minus strand). VCF-style: chr19-43526182-G-T. GRCh37 (hg19) VCF-style: chr19-44030334-G-T.
Other names: c.81+915C>A (NM_001320869.2); c.6+333C>A (NM_001320868.2); c.342+19C>A (NM_001320867.2).
Identifiers: ClinVar variation 384980 (VCV000384980.5), dbSNP rs751243822, ClinGen allele CA9487885.

ClinVar aggregate classification (germline): Likely benign. Review status: criteria provided, multiple submitters, no conflicts (2 of 4 stars). 2 submissions from 2 submitters: Likely benign (2). Last evaluated 2024-01-02.

Conditions:
Ethylmalonic encephalopathy (EE). Also called: Syndrome of encephalopathy, petechiae, and ethylmalonic aciduria; EPEMA syndrome; Encephalopathy, petechiae, and ethylmalonic aciduria. Identifiers: Orphanet 51188, MedGen C1865349, MONDO:0011229, OMIM 602473. Disease mechanism: loss of function.

Allele frequency attached by ClinVar (database versions not stated): ExAC 0.00003; gnomAD exomes 0.00003 and 0.00004.
gnomAD v4.1: 17 of 1,613,956 alleles (0.0011%); highest among the groups gnomAD compares: South Asian, 0.019%; no homozygotes.

Submissions (2):

Labcorp Genetics (formerly Invitae), Labcorp
Classification: Likely benign for Ethylmalonic encephalopathy. Last evaluated: 2024-01-02. Review status: criteria provided, single submitter. Criteria: Invitae Variant Classification Sherloc (09022015). Collection method: clinical testing. Allele origin: germline.

GeneDx
Classification: Likely benign. Last evaluated: 2016-04-19. Review status: criteria provided, single submitter. Criteria: GeneDx Variant Classification (06012015). Collection method: clinical testing. Allele origin: germline. Affected: yes.
Comment: This variant is considered likely benign or benign based on one or more of the following criteria: it is a conservative change, it occurs at a poorly conserved position in the protein, it is predicted to be benign by multiple in silico algorithms, and/or has population frequency not consistent with disease.